The following is an entry in ClinVar:

ClinVar aggregate classification (germline): Uncertain significance (1 of 4 stars; one submission).

Allele frequency attached by ClinVar (database versions not stated): gnomAD exomes below 0.00001.
gnomAD v4.1: 2 of 1,203,784 alleles (0.00017%); highest among the groups gnomAD compares: East Asian, 0.0059%; no homozygotes.

Submission:

Labcorp Genetics (formerly Invitae), Labcorp
Classification: Uncertain significance. Last evaluated: 2025-04-17. Review status: criteria provided, single submitter. Criteria: Invitae Variant Classification Sherloc (09022015). Collection method: clinical testing. Allele origin: germline.
Comment: This sequence change replaces histidine, which is basic and polar, with glutamine, which is neutral and polar, at codon 405 of the MAGED2 protein (p.His405Gln). This variant is not present in population databases (gnomAD no frequency). This variant has not been reported in the literature in individuals affected with MAGED2-related conditions. ClinVar contains an entry for this variant (Variation ID: 1972506). An algorithm developed to predict the effect of missense changes on protein structure and function (PolyPhen-2) suggests that this variant is likely to be tolerated. In summary, the available evidence is currently insufficient to determine the role of this variant in disease. Therefore, it has been classified as a Variant of Uncertain Significance.

NM_177433.3(MAGED2):c.1215T>G (p.His405Gln)

Gene: MAGED2 (MAGE family member D2; plus strand). Cytogenetic location: Xp11.21.
Variant type: single nucleotide variant.
Coding change: c.1215T>G on transcript NM_177433.3 (MANE Select); coding-DNA position 1215, T replaced by G.
Protein change: p.His405Gln; replaces histidine 405 with glutamine.
Molecular consequence: missense variant.
Genome position (GRCh38, 1-based): chrX:54,813,494, T>G. VCF-style: chrX-54813494-T-G. GRCh37 (hg19) VCF-style: chrX-54839927-T-G.
Other names: c.1215T>G, p.His405Gln (NM_014599.6, NM_201222.3); short protein forms H405Q.
Identifiers: ClinVar variation 1972506 (VCV001972506.4), dbSNP rs1929869676, ClinGen allele CA413273228.